The following is an entry in ClinVar:

NM_000098.3(CPT2):c.1972dup (p.Ser658fs)

Gene: CPT2 (carnitine palmitoyltransferase 2; plus strand). Cytogenetic location: 1p32.3.
Variant type: Duplication.
Coding change: c.1972dup on transcript NM_000098.3 (MANE Select); coding-DNA position 1972, one base duplicated (A; older notation c.1972dupA).
Protein change: p.Ser658fs; shifts the reading frame from serine 658.
Molecular consequence: frameshift variant.
Genome position (GRCh38, 1-based): chr1:53,213,590, A duplicated; the last of 4 consecutive A bases (chr1:53,213,587-53,213,590); duplicating any one gives the same sequence. VCF-style (leftmost placement, unchanged base first): chr1-53213586-C-CA. GRCh37 (hg19) VCF-style: chr1-53679258-C-CA.
Other names: c.1972dupA (NM_000098.2); c.1903dup, p.Ser635fs (NM_001330589.2); short protein forms S658fs, S635fs.
Identifiers: ClinVar variation 658234 (VCV000658234.10), dbSNP rs1572387642, ClinGen allele CA915941293.
Genomic context (GRCh38, chr1:53,213,586, plus strand): 5'-TCTCCAATGTGTGGAGAAGGCCTTAGAAGACATGTTTGATGCCTTAGAAGGCAAATCCAT[C>CA]AAAAGTTAACTTCTGGGCAGATGAAAAGCTACCATCACTTCCTCATCATGAAAACTGGGA-3'

ClinVar aggregate classification (germline): Uncertain significance (1 of 4 stars; one submission).

Conditions:
Carnitine palmitoyltransferase II deficiency. Also called: Carnitine Palmitoyltransferase 2 Deficiency. Identifiers: Orphanet 157, MedGen C0342790, MONDO:0015515.

Submission:

Labcorp Genetics (formerly Invitae), Labcorp
Classification: Uncertain significance for Carnitine palmitoyltransferase II deficiency. Last evaluated: 2024-09-23. Review status: criteria provided, single submitter. Criteria: Invitae Variant Classification Sherloc (09022015). Collection method: clinical testing. Allele origin: germline.
Comment: This sequence change results in a frameshift in the CPT2 gene (p.Ser658Lysfs*36). While this is not anticipated to result in nonsense mediated decay, it is expected to disrupt the last 1 amino acid(s) of the CPT2 protein and extend the protein by 34 additional amino acid residues. This variant is not present in population databases (gnomAD no frequency). This variant has not been reported in the literature in individuals affected with CPT2-related conditions. ClinVar contains an entry for this variant (Variation ID: 658234). Experimental studies and prediction algorithms are not available or were not evaluated, and the functional significance of this variant is currently unknown. In summary, the available evidence is currently insufficient to determine the role of this variant in disease. Therefore, it has been classified as a Variant of Uncertain Significance.